The following is an entry in ClinVar:

ClinVar aggregate classification (germline): Pathogenic (1 of 4 stars; one submission).

Conditions:
Fanconi anemia (FA). Also called: Fanconi's anemia. Identifiers: Orphanet 84, MedGen C0015625, MeSH D005199, MONDO:0019391.

Submission:

Labcorp Genetics (formerly Invitae), Labcorp
Classification: Pathogenic for Fanconi anemia. Last evaluated: 2021-08-12. Review status: criteria provided, single submitter. Criteria: Invitae Variant Classification Sherloc (09022015). Collection method: clinical testing. Allele origin: germline.
Comment: This variant is a gross deletion of the genomic region encompassing exon(s) 37-43 of the FANCA gene, which includes the termination codon. This deletion extends beyond the assayed region for this gene and therefore may encompass additional genes. While this deletion is not anticipated to lead to nonsense mediated decay, it is expected to alter mRNA translation or result in a truncated protein product. A similar copy number variant has been observed in individual(s) with Fanconi anemia (PMID: 23613520). This variant disrupts a region of the FANCA protein in which other variant(s) (p.Asp1427Thrfs*6) have been determined to be pathogenic (PMID: 11091222, 29098742). This suggests that this is a clinically significant region of the protein, and that variants that disrupt it are likely to be disease-causing. For these reasons, this variant has been classified as Pathogenic.

Literature cited by the submitters: PubMed 23613520; PubMed 11091222; PubMed 29098742.

NC_000016.10:g.(?_89738591)_(89742948_?)del

Genes: FANCA (FA complementation group A; minus strand), ZNF276 (zinc finger protein 276; plus strand). Cytogenetic location: 16q24.3.
Variant type: Deletion.
Identifiers: ClinVar variation 833206 (VCV000833206.6).